The following is an entry in ClinVar:

NM_000077.5(CDKN2A):c.144G>A (p.Pro48=)

Gene: CDKN2A (cyclin dependent kinase inhibitor 2A; minus strand). Cytogenetic location: 9p21.3.
Variant type: single nucleotide variant.
Coding change: c.144G>A on transcript NM_000077.5; coding-DNA position 144, G replaced by A.
Protein change: p.Pro48=; no amino-acid change (proline 48 retained).
Molecular consequence: synonymous variant (on NM_000077.6). On other transcripts: intron variant (2).
Genome position (GRCh38, 1-based): chr9:21,974,684, C>T on the plus strand (G>A on the coding strand, the complement: CDKN2A is on the minus strand). VCF-style: chr9-21974684-C-T. GRCh37 (hg19) VCF-style: chr9-21974683-C-T.
Other names: c.144G>A, p.Pro48= (NM_000077.6, NM_001195132.2, NM_058197.5); c.-3-3476G>A (NM_001363763.2); c.194-3476G>A (NM_058195.4).
Identifiers: ClinVar variation 232233 (VCV000232233.17), dbSNP rs876659638, ClinGen allele CA10578850.
Genomic context (GRCh38, chr9:21,974,684, plus strand): 5'-CGTCCTCCAGAGTCGCCCGCCATCCCCTGCTCCCGCTGCAGACCCTCTACCCACCTGGAT[C>T]GGCCTCCGACCGTAACTATTCGGTGCGTTGGGCAGCGCCCCCGCCTCCAGCAGCGCCCGC-3'
Protein context (NP_000068.1, residues 38-58): PNAPNSYGRR[Pro48=]IQVMMMGSAR

ClinVar aggregate classification (germline): Benign/Likely benign. Review status: criteria provided, multiple submitters, no conflicts (2 of 4 stars). 4 submissions from 4 submitters: Benign (1); Likely benign (3). Last evaluated 2025-12-08.

Conditions:
Familial melanoma. Also called: Hereditary melanoma; Hereditary cutaneous melanoma. Identifiers: Orphanet 618, MedGen C1512419, MONDO:0018961.
Melanoma-pancreatic cancer syndrome. Identifiers: Orphanet 404560, MedGen C1838547, MONDO:0011713, OMIM 606719. Disease mechanism: loss of function.
Hereditary cancer-predisposing syndrome. Also called: Neoplastic Syndromes, Hereditary; Hereditary Cancer Syndrome; Tumor predisposition; Hereditary neoplastic syndrome. Identifiers: Orphanet 140162, MedGen C0027672, MeSH D009386, MONDO:0015356.

Allele frequency attached by ClinVar (database versions not stated): gnomAD exomes below 0.00001; gnomAD 0.00001.
gnomAD v4.1: 3 of 1,613,936 alleles (0.00019%); highest among the groups gnomAD compares: Non-Finnish European, 0.00025%; no homozygotes.

Submissions (4):

Labcorp Genetics (formerly Invitae), Labcorp
Classification: Likely benign for Familial melanoma. Last evaluated: 2025-12-08. Review status: criteria provided, single submitter. Criteria: Invitae Variant Classification Sherloc (09022015). Collection method: clinical testing. Allele origin: germline.

Myriad Genetics, Inc.
Classification: Benign for Melanoma-pancreatic cancer syndrome. Last evaluated: 2025-08-14. Review status: criteria provided, single submitter. Criteria: Myriad Autosomal Dominant, Autosomal Recessive and X-Linked Classification Criteria (2023). Collection method: clinical testing. Allele origin: unknown.
Comment: This variant is considered benign. This variant is a silent/synonymous amino acid change and it is not expected to impact splicing.

Color Diagnostics, LLC DBA Color Health
Classification: Likely benign for Hereditary cancer-predisposing syndrome. Last evaluated: 2020-02-21. Review status: criteria provided, single submitter. Criteria: ACMG Guidelines, 2015. Collection method: clinical testing. Allele origin: germline.

Ambry Genetics
Classification: Likely benign for Hereditary cancer-predisposing syndrome. Last evaluated: 2015-06-04. Review status: criteria provided, single submitter. Criteria: Ambry Variant Classification Scheme 2023. Collection method: clinical testing. Allele origin: germline.